The following is an entry in ClinVar:

NM_015409.5(EP400):c.2745T>C (p.Asp915=)

Gene: EP400 (E1A binding protein p400; plus strand). Cytogenetic location: 12q24.33.
Variant type: single nucleotide variant.
Coding change: c.2745T>C on transcript NM_015409.5 (MANE Select); coding-DNA position 2745, T replaced by C.
Protein change: p.Asp915=; no amino-acid change (aspartic acid 915 retained).
Molecular consequence: synonymous variant.
Genome position (GRCh38, 1-based): chr12:131,994,874, T>C. VCF-style: chr12-131994874-T-C. GRCh37 (hg19) VCF-style: chr12-132479419-T-C.
Identifiers: ClinVar variation 2643619 (VCV002643619.24), dbSNP rs2136508606, ClinGen allele CA482692661.
Genomic context (GRCh38, chr12:131,994,874, plus strand): 5'-CAGACACTCAAGTGGTGTTGCCTCTCAGTGACACTTGCTGATAACCATTTTAGTGGACGA[T>C]GAAGAGGAAACAATTGAAGAGGAGGAAGCAAATGAAGGCGTTGTGGACCACCAAACAGAA-3'
Protein context (NP_056224.3, residues 905-925): SISLTDDEVD[Asp915=]EEETIEEEEA

ClinVar aggregate classification (germline): Likely benign (1 of 4 stars; one submission).

Allele frequency attached by ClinVar (database versions not stated): gnomAD exomes below 0.00001.
gnomAD v4.1: 2 of 1,613,996 alleles (0.00012%); highest among the groups gnomAD compares: Non-Finnish European, 0.00017%; no homozygotes.

Submission:

CeGaT Center for Human Genetics Tuebingen
Classification: Likely benign. Last evaluated: 2023-01-01. Review status: criteria provided, single submitter. Criteria: CeGaT Center For Human Genetics Tuebingen Variant Classification Criteria Version 2. Collection method: clinical testing. Allele origin: germline. Affected: yes. Observed: 1 variant allele.
Comment: EP400: PM2:Supporting, BP4, BP7